The following is an entry in ClinVar:

NM_024675.4(PALB2):c.3076C>T (p.Leu1026=)

Gene: PALB2 (partner and localizer of BRCA2; minus strand). Cytogenetic location: 16p12.2.
Variant type: single nucleotide variant.
Coding change: c.3076C>T on transcript NM_024675.4 (MANE Select); coding-DNA position 3076, C replaced by T.
Protein change: p.Leu1026=; no amino-acid change (leucine 1026 retained).
Molecular consequence: synonymous variant.
Genome position (GRCh38, 1-based): chr16:23,621,399, G>A on the plus strand (C>T on the coding strand, the complement: PALB2 is on the minus strand). VCF-style: chr16-23621399-G-A. GRCh37 (hg19) VCF-style: chr16-23632720-G-A.
Identifiers: ClinVar variation 508248 (VCV000508248.20), dbSNP rs1555459377, ClinGen allele CA494180147.

ClinVar aggregate classification (germline): Benign/Likely benign. Review status: criteria provided, multiple submitters, no conflicts (2 of 4 stars). 6 submissions from 6 submitters: Benign (1); Likely benign (5). Last evaluated 2026-01-14.

Conditions:
Hereditary cancer-predisposing syndrome. Also called: Hereditary neoplastic syndrome; Hereditary Cancer Syndrome; Neoplastic Syndromes, Hereditary; Tumor predisposition. Identifiers: Orphanet 140162, MedGen C0027672, MeSH D009386, MONDO:0015356.
Hereditary breast ovarian cancer syndrome. Also called: Hereditary breast and ovarian cancer syndrome; Breast and ovarian cancer; BRCA1- and BRCA2-Associated Hereditary Breast and Ovarian Cancer; Hereditary breast and ovarian cancer syndrome (HBOC); Hereditary breast and/or ovarian cancer syndrome; Hereditary breast and ovarian cancer. Identifiers: Orphanet 145, MedGen C0677776, MeSH D061325, MONDO:0003582. Disease mechanism: loss of function.
Familial cancer of breast. Also called: hereditary breast carcinoma; BREAST CANCER, FAMILIAL; Hereditary breast cancer. Identifiers: Orphanet 227535, MedGen C0346153, MONDO:0016419, OMIM 114480. Disease mechanism: loss of function.

Submissions (6):

Labcorp Genetics (formerly Invitae), Labcorp
Classification: Likely benign for Familial cancer of breast. Last evaluated: 2026-01-14. Review status: criteria provided, single submitter. Criteria: Invitae Variant Classification Sherloc (09022015). Collection method: clinical testing. Allele origin: germline.

Myriad Genetics, Inc.
Classification: Benign for Familial cancer of breast. Last evaluated: 2025-01-21. Review status: criteria provided, single submitter. Criteria: Myriad Autosomal Dominant, Autosomal Recessive and X-Linked Classification Criteria (2023). Collection method: clinical testing. Allele origin: unknown.
Comment: This variant is considered benign. This variant is a silent/synonymous amino acid change and it is not expected to impact splicing.

Department of Pathology and Laboratory Medicine, Sinai Health System
Classification: Likely benign for Hereditary breast ovarian cancer syndrome. Last evaluated: 2023-08-01. Review status: criteria provided, single submitter. Criteria: ACMG Guidelines, 2015. Collection method: clinical testing. Allele origin: germline. Affected: yes.

Ambry Genetics
Classification: Likely benign for Hereditary cancer-predisposing syndrome. Last evaluated: 2019-09-13. Review status: criteria provided, single submitter. Criteria: Ambry Variant Classification Scheme 2023. Collection method: clinical testing. Allele origin: germline.

Color Diagnostics, LLC DBA Color Health
Classification: Likely benign for Hereditary cancer-predisposing syndrome. Last evaluated: 2018-02-16. Review status: criteria provided, single submitter. Criteria: ACMG Guidelines, 2015. Collection method: clinical testing. Allele origin: germline.

GeneDx
Classification: Likely benign. Last evaluated: 2017-03-20. Review status: criteria provided, single submitter. Criteria: GeneDx Variant Classification (06012015). Collection method: clinical testing. Allele origin: germline. Affected: yes.
Comment: This variant is considered likely benign or benign based on one or more of the following criteria: it is a conservative change, it occurs at a poorly conserved position in the protein, it is predicted to be benign by multiple in silico algorithms, and/or has population frequency not consistent with disease.